The following is an entry in ClinVar:

ClinVar aggregate classification (germline): Likely benign. Review status: criteria provided, multiple submitters, no conflicts (2 of 4 stars). 2 submissions from 2 submitters: Likely benign (2). Last evaluated 2025-10-26.

Conditions:
Immunodeficiency 14 (IMD14A). Also called: IMMUNODEFICIENCY 14A WITH LYMPHOPROLIFERATION, AUTOSOMAL DOMINANT; p110-DELTA-ACTIVATING MUTATION CAUSING SENESCENT T CELLS, LYMPHADENOPATHY, AND IMMUNODEFICIENCY; ACTIVATED PI3K-DELTA SYNDROME 1; Activated PI3K Delta Syndrome Type 1 (APDS1). Identifiers: Orphanet 397596, Orphanet 693661, MedGen C5907821, MONDO:0014222, OMIM 615513.

Allele frequency attached by ClinVar (database versions not stated): TOPMed 0.00001; gnomAD exomes 0.00002; gnomAD 0.00003; ExAC 0.00005.
gnomAD v4.1: 36 of 1,613,260 alleles (0.0022%); highest among the groups gnomAD compares: South Asian, 0.0077%; no homozygotes.

Submissions (2):

Labcorp Genetics (formerly Invitae), Labcorp
Classification: Likely benign for Activated PI3K-delta syndrome. Last evaluated: 2025-10-26. Review status: criteria provided, single submitter. Criteria: Invitae Variant Classification Sherloc (09022015). Collection method: clinical testing. Allele origin: germline.

CeGaT Center for Human Genetics Tuebingen
Classification: Likely benign. Last evaluated: 2024-06-01. Review status: criteria provided, single submitter. Criteria: CeGaT Center For Human Genetics Tuebingen Variant Classification Criteria Version 2. Collection method: clinical testing. Allele origin: germline. Affected: yes. Observed: 1 variant allele.
Comment: PIK3CD: BP4, BP7

NM_005026.5(PIK3CD):c.2310C>T (p.Ser770=)

Gene: PIK3CD (phosphatidylinositol-4,5-bisphosphate 3-kinase catalytic subunit delta; plus strand). Cytogenetic location: 1p36.22.
Variant type: single nucleotide variant.
Coding change: c.2310C>T on transcript NM_005026.5 (MANE Select); coding-DNA position 2310, C replaced by T.
Protein change: p.Ser770=; no amino-acid change (serine 770 retained).
Molecular consequence: synonymous variant.
Genome position (GRCh38, 1-based): chr1:9,722,319, C>T. VCF-style: chr1-9722319-C-T. GRCh37 (hg19) VCF-style: chr1-9782377-C-T.
Other names: c.2307C>T, p.Ser769= (NM_001350234.2); c.2223C>T, p.Ser741= (NM_001350235.1).
Identifiers: ClinVar variation 2895300 (VCV002895300.21), dbSNP rs769886373, ClinGen allele CA577486.